The following is an entry in ClinVar:

ClinVar aggregate classification (germline): Uncertain significance. Review status: criteria provided, multiple submitters, no conflicts (2 of 4 stars). 3 submissions from 3 submitters: Uncertain significance (3). Last evaluated 2025-09-24.

Conditions:
Hereditary cancer-predisposing syndrome. Also called: Neoplastic Syndromes, Hereditary; Hereditary Cancer Syndrome; Hereditary neoplastic syndrome; Tumor predisposition. Identifiers: Orphanet 140162, MedGen C0027672, MeSH D009386, MONDO:0015356.

Submissions (3):

Labcorp Genetics (formerly Invitae), Labcorp
Classification: Uncertain significance. Last evaluated: 2025-09-24. Review status: criteria provided, single submitter. Criteria: Invitae Variant Classification Sherloc (09022015). Collection method: clinical testing. Allele origin: germline.
Comment: This sequence change replaces valine, which is neutral and non-polar, with isoleucine, which is neutral and non-polar, at codon 933 of the POLE protein (p.Val933Ile). This variant is present in population databases (no rsID available, gnomAD 0.007%). This variant has not been reported in the literature in individuals affected with POLE-related conditions. ClinVar contains an entry for this variant (Variation ID: 2560392). Invitae Evidence Modeling of protein sequence and biophysical properties (such as structural, functional, and spatial information, amino acid conservation, physicochemical variation, residue mobility, and thermodynamic stability) indicates that this missense variant is not expected to disrupt POLE protein function with a negative predictive value of 80%. In summary, the available evidence is currently insufficient to determine the role of this variant in disease. Therefore, it has been classified as a Variant of Uncertain Significance.

Women's Health and Genetics/Laboratory Corporation of America, LabCorp
Classification: Uncertain significance. Last evaluated: 2025-06-29. Review status: criteria provided, single submitter. Criteria: LabCorp Variant Classification Summary - May 2015. Collection method: clinical testing. Allele origin: germline.

Ambry Genetics
Classification: Uncertain significance for Hereditary cancer-predisposing syndrome. Last evaluated: 2025-06-09. Review status: criteria provided, single submitter. Criteria: Ambry Variant Classification Scheme 2023. Collection method: clinical testing. Allele origin: germline.
Comment: The p.V933I variant (also known as c.2797G>A), located in coding exon 24 of the POLE gene, results from a G to A substitution at nucleotide position 2797. The valine at codon 933 is replaced by isoleucine, an amino acid with highly similar properties. This amino acid position is conserved. In addition, this alteration is predicted to be tolerated by in silico analysis. Since supporting evidence is limited at this time, the clinical significance of this alteration remains unclear.

NM_006231.4(POLE):c.2797G>A (p.Val933Ile)

Gene: POLE (DNA polymerase epsilon, catalytic subunit; minus strand). Cytogenetic location: 12q24.33.
Variant type: single nucleotide variant.
Coding change: c.2797G>A on transcript NM_006231.4 (MANE Select); coding-DNA position 2797, G replaced by A.
Protein change: p.Val933Ile; replaces valine 933 with isoleucine.
Molecular consequence: missense variant.
Genome position (GRCh38, 1-based): chr12:132,661,594, C>T on the plus strand (G>A on the coding strand, the complement: POLE is on the minus strand). VCF-style: chr12-132661594-C-T. GRCh37 (hg19) VCF-style: chr12-133238180-C-T.
Other names: short protein forms V933I.
Identifiers: ClinVar variation 2560392 (VCV002560392.6), dbSNP rs1434220440, ClinGen allele CA387393762.